The following is an entry in ClinVar:

ClinVar aggregate classification (germline): Likely pathogenic (1 of 4 stars; one submission).

Submission:

CeGaT Center for Human Genetics Tuebingen
Classification: Likely pathogenic. Last evaluated: 2025-06-01. Review status: criteria provided, single submitter. Criteria: CeGaT Center For Human Genetics Tuebingen Variant Classification Criteria Version 2. Collection method: clinical testing. Allele origin: germline. Affected: yes. Observed: 1 variant allele.
Comment: PRPF8: PM2, PS2:Moderate, PVS1:Moderate

NM_006445.4(PRPF8):c.1831del (p.Leu611fs)

Gene: PRPF8 (pre-mRNA processing factor 8; minus strand). Cytogenetic location: 17p13.3.
Variant type: Deletion.
Coding change: c.1831del on transcript NM_006445.4 (MANE Select); coding-DNA position 1831, one base deleted (C; older notation c.1831delC).
Protein change: p.Leu611fs; shifts the reading frame from leucine 611.
Molecular consequence: frameshift variant.
Genome position (GRCh38, 1-based): chr17:1,678,541, G deleted on the plus strand (C on the coding strand, the reverse complement: PRPF8 is on the minus strand). VCF-style (leftmost placement, unchanged base first): chr17-1678540-AG-A. GRCh37 (hg19) VCF-style: chr17-1581834-AG-A.
Other names: short protein forms L611fs.
Identifiers: ClinVar variation 3778480 (VCV003778480.7).